The following is an entry in ClinVar:

NM_144672.4(OTOA):c.349C>T (p.Gln117Ter)

Gene: OTOA (otoancorin). Cytogenetic location: 16p12.2.
Variant type: single nucleotide variant.
Coding change: c.349C>T on transcript NM_144672.4 (MANE Select); coding-DNA position 349, C replaced by T.
Protein change: p.Gln117Ter; replaces glutamine 117 with a stop codon.
Molecular consequence: nonsense.
Genome position (GRCh38, 1-based): chr16:21,685,311, C>T. VCF-style: chr16-21685311-C-T. GRCh37 (hg19) VCF-style: chr16-21696632-C-T.
Other names: c.112C>T, p.Gln38Ter (NM_001161683.2); short protein forms Q38*, Q117*.
Identifiers: ClinVar variation 2877560 (VCV002877560.3), dbSNP rs1399720818, ClinGen allele CA395053766.

ClinVar aggregate classification (germline): Pathogenic (1 of 4 stars; one submission).

Allele frequency attached by ClinVar (database versions not stated): TOPMed below 0.00001; gnomAD 0.00001.
gnomAD v4.1: 1 of 1,613,092 alleles (0.000062%); highest among the groups gnomAD compares: Non-Finnish European, 0.000085%; no homozygotes.

Submission:

Labcorp Genetics (formerly Invitae), Labcorp
Classification: Pathogenic. Last evaluated: 2023-12-20. Review status: criteria provided, single submitter. Criteria: Invitae Variant Classification Sherloc (09022015). Collection method: clinical testing. Allele origin: germline.
Comment: This sequence change creates a premature translational stop signal (p.Gln117*) in the OTOA gene. It is expected to result in an absent or disrupted protein product. Loss-of-function variants in OTOA are known to be pathogenic (PMID: 11972037). This variant is not present in population databases (gnomAD no frequency). This variant has not been reported in the literature in individuals affected with OTOA-related conditions. For these reasons, this variant has been classified as Pathogenic.

Literature cited by the submitters: PubMed 11972037.